The following is an entry in ClinVar:

NM_052947.4(ALPK2):c.1460T>G (p.Met487Arg)

Gene: ALPK2 (alpha kinase 2; minus strand). Cytogenetic location: 18q21.31.
Variant type: single nucleotide variant.
Coding change: c.1460T>G on transcript NM_052947.4 (MANE Select); coding-DNA position 1460, T replaced by G.
Protein change: p.Met487Arg; replaces methionine 487 with arginine.
Molecular consequence: missense variant.
Genome position (GRCh38, 1-based): chr18:58,579,316, A>C on the plus strand (T>G on the coding strand, the complement: ALPK2 is on the minus strand). VCF-style: chr18-58579316-A-C. GRCh37 (hg19) VCF-style: chr18-56246548-A-C.
Other names: short protein forms M487R.
Identifiers: ClinVar variation 1773153 (VCV001773153.4), dbSNP rs570842871, ClinGen allele CA8977250.

ClinVar aggregate classification (germline): Likely benign. Review status: criteria provided, single submitter (1 of 4 stars). 2 submissions from 2 submitters: Likely benign (1). 1 of the submissions does not count toward it. Last evaluated 2022-10-11.

Conditions:
ALPK2-related disorder. Also called: ALPK2-related condition.

Allele frequency attached by ClinVar (database versions not stated): TOPMed 0.00008; gnomAD 0.00043; gnomAD exomes 0.00091; ExAC 0.00198; 1000 Genomes Project 0.00240; 1000 Genomes Project 30x 0.00250.
gnomAD v4.1: 1,390 of 1,614,138 alleles (0.086%); highest among the groups gnomAD compares: South Asian, 1.5%; 18 homozygotes.

Submissions (2):

Ambry Genetics
Classification: Likely benign. Last evaluated: 2022-10-11. Review status: criteria provided, single submitter. Criteria: Ambry Variant Classification Scheme 2023. Collection method: clinical testing. Allele origin: germline.

PreventionGenetics, part of Exact Sciences
Classification: Benign for ALPK2-related condition. Last evaluated: 2019-04-24. Review status: no assertion criteria provided. Collection method: clinical testing. Allele origin: germline. Not counted in ClinVar's aggregate classification.
Comment: This variant is classified as benign based on ACMG/AMP sequence variant interpretation guidelines (Richards et al. 2015 PMID: 25741868, with internal and published modifications).